The following is an entry in ClinVar:

NM_000091.5(COL4A3):c.3419-14T>G

Genes: COL4A3 (collagen type IV alpha 3 chain; plus strand), MFF-DT (MFF divergent transcript; minus strand). Cytogenetic location: 2q36.3.
Variant type: single nucleotide variant.
Coding change: c.3419-14T>G on transcript NM_000091.5 (MANE Select); 14 bases into the intron before coding-DNA position 3419, T replaced by G.
Molecular consequence: intron variant.
Genome position (GRCh38, 1-based): chr2:227,294,950, T>G. VCF-style: chr2-227294950-T-G. GRCh37 (hg19) VCF-style: chr2-228159666-T-G.
Identifiers: ClinVar variation 334772 (VCV000334772.19), dbSNP rs116133488, ClinGen allele CA2147242.

ClinVar aggregate classification (germline): Benign. Review status: criteria provided, multiple submitters, no conflicts (2 of 4 stars). 5 submissions from 5 submitters: Benign (5). Last evaluated 2026-02-04.

Conditions:
Alport syndrome. Also called: Hemorrhagic familial nephritis; Hemorrhagic hereditary nephritis; Congenital hereditary hematuria. Identifiers: Orphanet 63, MedGen C1567741, MONDO:0018965.

Allele frequency attached by ClinVar (database versions not stated): gnomAD exomes 0.03658 and 0.04446; 1000 Genomes Project 0.03894; 1000 Genomes Project 30x 0.04138; ExAC 0.04413; gnomAD 0.05760 and 0.06066.
gnomAD v4.1: 61,739 of 1,601,764 alleles (3.9%); highest among the groups gnomAD compares: African/African-American, 9.5%; 1,048 homozygotes.

Submissions (14):

Labcorp Genetics (formerly Invitae), Labcorp
Classification: Benign. Last evaluated: 2026-02-04. Review status: criteria provided, single submitter. Criteria: Invitae Variant Classification Sherloc (09022015). Collection method: clinical testing. Allele origin: germline.

Blueprint Genetics
Classification: Benign. Last evaluated: 2024-11-26. Review status: criteria provided, single submitter. Criteria: ACMG Guidelines, 2015. Collection method: clinical testing. Allele origin: germline.

GeneDx
Classification: Benign. Last evaluated: 2019-08-06. Review status: criteria provided, single submitter. Criteria: GeneDx Variant Classification Process June 2021. Collection method: clinical testing. Allele origin: germline. Affected: yes.

Illumina Laboratory Services, Illumina
Classification: Benign for Alport syndrome. Last evaluated: 2018-01-13. Review status: criteria provided, single submitter. Criteria: ICSL Variant Classification Criteria 13 December 2019. Collection method: clinical testing. Allele origin: germline.
Comment: This variant was observed in the ICSL laboratory as part of a predisposition screen in an ostensibly healthy population. It had not been previously curated by ICSL or reported in the Human Gene Mutation Database (HGMD: prior to June 1st, 2018), and was therefore a candidate for classification through an automated scoring system. Utilizing variant allele frequency, disease prevalence and penetrance estimates, and inheritance mode, an automated score was calculated to assess if this variant is too frequent to cause the disease. Based on the score and internal cut-off values, a variant classified as benign is not then subjected to further curation. The score for this variant resulted in a classification of benign for this disease.

Breakthrough Genomics
Classification: Benign. Review status: criteria provided, single submitter. Criteria: ACMG Guidelines, 2015. Collection method: not provided. Allele origin: germline. Inheritance: Autosomal recessive inheritance. Affected: yes.

Dr. Peter K. Rogan Lab, Western University
No classification provided (evidence only). Condition: Gastric cancer. Review status: no classification provided. Collection method: in vitro. Allele origin: not applicable. Functional consequence: retained intron. Not counted in ClinVar's aggregate classification.

Dr. Peter K. Rogan Lab, Western University
No classification provided (evidence only). Condition: Gastric cancer. Review status: no classification provided. Collection method: in vitro. Allele origin: not applicable. Functional consequence: retained intron. Not counted in ClinVar's aggregate classification.

Dr. Peter K. Rogan Lab, Western University
No classification provided (evidence only). Condition: Gastric cancer. Review status: no classification provided. Collection method: in vitro. Allele origin: not applicable. Functional consequence: retained intron. Not counted in ClinVar's aggregate classification.

Dr. Peter K. Rogan Lab, Western University
No classification provided (evidence only). Condition: Malignant tumor of esophagus. Review status: no classification provided. Collection method: in vitro. Allele origin: not applicable. Functional consequence: retained intron. Not counted in ClinVar's aggregate classification.

Dr. Peter K. Rogan Lab, Western University
No classification provided (evidence only). Condition: Malignant tumor of esophagus. Review status: no classification provided. Collection method: in vitro. Allele origin: not applicable. Functional consequence: retained intron. Not counted in ClinVar's aggregate classification.

Dr. Peter K. Rogan Lab, Western University
No classification provided (evidence only). Condition: Uterine corpus endometrial carcinoma. Review status: no classification provided. Collection method: in vitro. Allele origin: not applicable. Functional consequence: retained intron. Not counted in ClinVar's aggregate classification.

Dr. Peter K. Rogan Lab, Western University
No classification provided (evidence only). Condition: Sarcoma. Review status: no classification provided. Collection method: in vitro. Allele origin: not applicable. Functional consequence: retained intron. Not counted in ClinVar's aggregate classification.

Dr. Peter K. Rogan Lab, Western University
No classification provided (evidence only). Condition: Gastric cancer. Review status: no classification provided. Collection method: in vitro. Allele origin: not applicable. Functional consequence: retained intron. Not counted in ClinVar's aggregate classification.

Dr. Peter K. Rogan Lab, Western University
No classification provided (evidence only). Condition: Gastric cancer. Review status: no classification provided. Collection method: in vitro. Allele origin: not applicable. Functional consequence: retained intron. Not counted in ClinVar's aggregate classification.